The following is an entry in ClinVar:

NM_000543.5(SMPD1):c.1076C>A (p.Ala359Asp)

Gene: SMPD1 (sphingomyelin phosphodiesterase 1; plus strand). Cytogenetic location: 11p15.4.
Variant type: single nucleotide variant.
Coding change: c.1076C>A on transcript NM_000543.5 (MANE Select); coding-DNA position 1076, C replaced by A.
Protein change: p.Ala359Asp; replaces alanine 359 with aspartic acid.
Molecular consequence: missense variant. On other transcripts: non-coding transcript variant (1).
Genome position (GRCh38, 1-based): chr11:6,392,141, C>A. VCF-style: chr11-6392141-C-A. GRCh37 (hg19) VCF-style: chr11-6413371-C-A.
Other names: c.1073C>A, p.Ala358Asp (NM_001007593.3); c.1076C>A, p.Ala359Asp (NM_001318087.2, NM_001365135.2); c.115C>A, p.Pro39Thr (NM_001318088.2); short protein forms A359D, A358D, P39T.
Identifiers: ClinVar variation 203427 (VCV000203427.13), dbSNP rs797044800, ClinGen allele CA347291.

ClinVar aggregate classification (germline): Pathogenic. Review status: criteria provided, single submitter (1 of 4 stars). 2 submissions from 2 submitters: Pathogenic (1). 1 of the submissions does not count toward it. Last evaluated 2022-05-13.

Conditions:
Niemann-Pick disease, type A. Also called: Infantile Neurovisceral ASMD (Niemann-Pick Disease Type A; NPD-A); SPHINGOMYELIN LIPIDOSIS; SPHINGOMYELINASE DEFICIENCY. Identifiers: Orphanet 77292, MedGen C0268242, MONDO:0009756, OMIM 257200. Disease mechanism: loss of function.
Niemann-Pick disease, type B. Also called: Chronic Visceral ASMD (Niemann-Pick Disease Type B; NPD-B). Identifiers: Orphanet 77293, MedGen C0268243, MONDO:0011871, OMIM 607616. Disease mechanism: loss of function.
Sphingomyelin/cholesterol lipidosis. Also called: Niemann-Pick disease. Identifiers: MedGen C0028064, MONDO:0001982.

Allele frequency attached by ClinVar (database versions not stated): gnomAD exomes below 0.00001.

Submissions (2):

Labcorp Genetics (formerly Invitae), Labcorp
Classification: Pathogenic for Niemann-Pick disease, type B; Niemann-Pick disease, type A. Last evaluated: 2022-05-13. Review status: criteria provided, single submitter. Criteria: Invitae Variant Classification Sherloc (09022015). Collection method: clinical testing. Allele origin: germline.
Comment: For these reasons, this variant has been classified as Pathogenic. Experimental studies have shown that this missense change affects SMPD1 function (PMID: 25920558, 27659707). Advanced modeling of protein sequence and biophysical properties (such as structural, functional, and spatial information, amino acid conservation, physicochemical variation, residue mobility, and thermodynamic stability) performed at Invitae indicates that this missense variant is expected to disrupt SMPD1 protein function. ClinVar contains an entry for this variant (Variation ID: 203427). This variant is also known as Ala357Asp. This missense change has been observed in individuals with Niemann-Pick disease (PMID: 25920558). This variant is not present in population databases (gnomAD no frequency). This sequence change replaces alanine, which is neutral and non-polar, with aspartic acid, which is acidic and polar, at codon 359 of the SMPD1 protein (p.Ala359Asp).

GeneReviews
No classification provided. Condition: Sphingomyelin/cholesterol lipidosis. Review status: no classification provided. Collection method: literature only. Allele origin: germline. Not counted in ClinVar's aggregate classification.
Comment: In Chile, screening of 1,691 healthy persons for this common SMPD1 pathogenic variant found a heterozygote frequency of 1:105.7, predicting a disease incidence of 1:44,960

Literature cited by the submitters: PubMed 25920558 (cited by Labcorp Genetics (formerly Invitae), Labcorp and GeneReviews); PubMed 27659707 (cited by Labcorp Genetics (formerly Invitae), Labcorp).